The following is an entry in ClinVar:

ClinVar aggregate classification (germline): Pathogenic. Review status: criteria provided, multiple submitters, no conflicts (2 of 4 stars). 3 submissions from 3 submitters: Pathogenic (2). 1 of the submissions does not count toward it. Last evaluated 2024-05-27.

Conditions:
Severe early-childhood-onset retinal dystrophy (STGD1). Also called: MACULAR DYSTROPHY WITH FLECKS, TYPE 1; STGD; Stargardt macular dystrophy; Juvenile onset macular degeneration; Stargardt disease 1. Identifiers: Orphanet 364055, Orphanet 827, MedGen C1855465, MeSH D000080362, MONDO:0009549, OMIM 248200.
Retinal dystrophy. Also called: Inherited retinal dystrophy. Identifiers: Orphanet 71862, MedGen C0854723, MeSH D058499, MONDO:0019118, HP:0000556.

Submissions (3):

Ophthalmic Genetics Group, Institute of Molecular and Clinical Ophthalmology Basel
Classification: Pathogenic for Retinal dystrophy. Last evaluated: 2024-05-27. Review status: criteria provided, single submitter. Criteria: ACMG Guidelines, 2015. Collection method: research. Allele origin: germline. Affected: yes. Observed: 2 variant alleles.
Comment: This variant was classified as Pathogenic based on ACMG criteria: PVS1_very strong, PS4_mod and PM2_mod

Labcorp Genetics (formerly Invitae), Labcorp
Classification: Pathogenic. Last evaluated: 2023-08-04. Review status: criteria provided, single submitter. Criteria: Invitae Variant Classification Sherloc (09022015). Collection method: clinical testing. Allele origin: germline.
Comment: Algorithms developed to predict the effect of sequence changes on RNA splicing suggest that this variant may create or strengthen a splice site. This sequence change creates a premature translational stop signal (p.Tyr1027*) in the ABCA4 gene. It is expected to result in an absent or disrupted protein product. Loss-of-function variants in ABCA4 are known to be pathogenic (PMID: 10958761, 24938718, 25312043, 26780318). This variant is not present in population databases (gnomAD no frequency). This premature translational stop signal has been observed in individual(s) with Stargardt disease, inherited retinal dystrophy (PMID: 25312043, 32581362). ClinVar contains an entry for this variant (Variation ID: 438092). For these reasons, this variant has been classified as Pathogenic.

NIHR Bioresource Rare Diseases, University of Cambridge
Classification: Pathogenic. Last evaluated: 2015-01-01. Review status: no assertion criteria provided. Collection method: research. Allele origin: unknown. Affected: yes. Observed: 1 variant allele. Not counted in ClinVar's aggregate classification.

Literature cited by the submitters: PubMed 28041643 (cited by Ophthalmic Genetics Group, Institute of Molecular and Clinical Ophthalmology Basel and NIHR Bioresource Rare Diseases, University of Cambridge); PubMed 25312043 (cited by 3 submitters); PubMed 40180963 (cited by Ophthalmic Genetics Group, Institute of Molecular and Clinical Ophthalmology Basel); PubMed 10958761 (cited by Labcorp Genetics (formerly Invitae), Labcorp); PubMed 24938718 (cited by Labcorp Genetics (formerly Invitae), Labcorp); PubMed 26780318 (cited by Labcorp Genetics (formerly Invitae), Labcorp); PubMed 32581362 (cited by Labcorp Genetics (formerly Invitae), Labcorp).

NM_000350.3(ABCA4):c.3081T>G (p.Tyr1027Ter)

Gene: ABCA4 (ATP binding cassette subfamily A member 4; minus strand). Cytogenetic location: 1p22.1.
Variant type: single nucleotide variant.
Coding change: c.3081T>G on transcript NM_000350.3 (MANE Select); coding-DNA position 3081, T replaced by G.
Protein change: p.Tyr1027Ter; replaces tyrosine 1027 with a stop codon.
Molecular consequence: nonsense.
Genome position (GRCh38, 1-based): chr1:94,043,445, A>C on the plus strand (T>G on the coding strand, the complement: ABCA4 is on the minus strand). VCF-style: chr1-94043445-A-C. GRCh37 (hg19) VCF-style: chr1-94509001-A-C.
Other names: NP_000341.2:p.(Tyr1027Ter); c.2859T>G, p.Tyr953Ter (NM_001425324.1); short protein forms Y1027*, Y953*.
Identifiers: ClinVar variation 438092 (VCV000438092.6), dbSNP rs1553190664, ClinGen allele CA341292652.